The following is an entry in ClinVar:

NM_000350.3(ABCA4):c.3595C>T (p.Gln1199Ter)

Gene: ABCA4 (ATP binding cassette subfamily A member 4; minus strand). Cytogenetic location: 1p22.1.
Variant type: single nucleotide variant.
Coding change: c.3595C>T on transcript NM_000350.3 (MANE Select); coding-DNA position 3595, C replaced by T.
Protein change: p.Gln1199Ter; replaces glutamine 1199 with a stop codon.
Molecular consequence: nonsense.
Genome position (GRCh38, 1-based): chr1:94,040,055, G>A on the plus strand (C>T on the coding strand, the complement: ABCA4 is on the minus strand). VCF-style: chr1-94040055-G-A. GRCh37 (hg19) VCF-style: chr1-94505611-G-A.
Other names: c.3373C>T, p.Gln1125Ter (NM_001425324.1); short protein forms Q1199*, Q1125*.
Identifiers: ClinVar variation 100555 (VCV000100555.5), dbSNP rs137853898, ClinGen allele CA228871.

ClinVar aggregate classification (germline): Pathogenic/Likely pathogenic. Review status: criteria provided, multiple submitters, no conflicts (2 of 4 stars). 3 submissions from 3 submitters: Pathogenic (1); Likely pathogenic (1). 1 of the submissions does not count toward it. Last evaluated 2023-04-06.

Conditions:
ABCA4-related disorder. Also called: ABCA4-related disorders; ABCA4-related condition. Identifiers: MedGen CN239167.

Allele frequency attached by ClinVar (database versions not stated): gnomAD exomes below 0.00001.
gnomAD v4.1: 1 of 1,606,118 alleles (0.000062%); highest among the groups gnomAD compares: Non-Finnish European, 0.000085%; no homozygotes.

Submissions (3):

Labcorp Genetics (formerly Invitae), Labcorp
Classification: Pathogenic. Last evaluated: 2023-04-06. Review status: criteria provided, single submitter. Criteria: Invitae Variant Classification Sherloc (09022015). Collection method: clinical testing. Allele origin: germline.
Comment: For these reasons, this variant has been classified as Pathogenic. ClinVar contains an entry for this variant (Variation ID: 100555). This premature translational stop signal has been observed in individual(s) with clinical features of Stargardt disease (PMID: 22025579). This variant is not present in population databases (gnomAD no frequency). This sequence change creates a premature translational stop signal (p.Gln1199*) in the ABCA4 gene. It is expected to result in an absent or disrupted protein product. Loss-of-function variants in ABCA4 are known to be pathogenic (PMID: 10958761, 24938718, 25312043, 26780318).

Blueprint Genetics
Classification: Likely pathogenic for ABCA4-related disorders. Last evaluated: 2021-03-18. Review status: criteria provided, single submitter. Criteria: ACMG Guidelines, 2015. Collection method: clinical testing. Allele origin: germline. Affected: yes. Observed: 2 variant alleles.

NEI Ophthalmic Genomics Laboratory, National Institutes of Health
No classification provided. Review status: no classification provided. Collection method: not provided. Allele origin: not provided. Not counted in ClinVar's aggregate classification.

Literature cited by the submitters: PubMed 22025579 (cited by Labcorp Genetics (formerly Invitae), Labcorp); PubMed 10958761 (cited by Labcorp Genetics (formerly Invitae), Labcorp); PubMed 24938718 (cited by Labcorp Genetics (formerly Invitae), Labcorp); PubMed 25312043 (cited by Labcorp Genetics (formerly Invitae), Labcorp); PubMed 26780318 (cited by Labcorp Genetics (formerly Invitae), Labcorp).